The following is an entry in ClinVar:

NC_000012.11:g.(?_111350880)_(111352114_?)dup

Gene: MYL2 (myosin light chain 2; minus strand). Cytogenetic location: 12q24.11.
Variant type: Duplication.
Identifiers: ClinVar variation 2423084 (VCV002423084.5).

ClinVar aggregate classification (germline): Uncertain significance (1 of 4 stars; one submission).

Conditions:
Hypertrophic cardiomyopathy 10. Also called: CARDIOMYOPATHY, HYPERTROPHIC, MID-LEFT VENTRICULAR CHAMBER TYPE, 2; MYL2-Related Familial Hypertrophic Cardiomyopathy. Identifiers: MedGen C1834460, MONDO:0012112, OMIM 608758.

Submission:

Labcorp Genetics (formerly Invitae), Labcorp
Classification: Uncertain significance for Hypertrophic cardiomyopathy 10. Last evaluated: 2022-07-05. Review status: criteria provided, single submitter. Criteria: Invitae Variant Classification Sherloc (09022015). Collection method: clinical testing. Allele origin: germline.
Comment: This variant is a gross deletion of the genomic region encompassing exon(s) 4-6 of the MYL2 gene. This deletion is out-of-frame, and is expected to create a premature translational stop signal and result in an absent or disrupted protein product. However, the current clinical and genetic evidence is not sufficient to establish whether loss-of-function variants in MYL2 cause disease. This variant has not been reported in the literature in individuals affected with MYL2-related conditions. In summary, the available evidence is currently insufficient to determine the role of this variant in disease. Therefore, it has been classified as a Variant of Uncertain Significance.